The following is an entry in ClinVar:

ClinVar aggregate classification (germline): Uncertain significance (0 of 4 stars; one submission).

Conditions:
IRAK1-related disorder. Also called: IRAK1-related condition.

Submission:

PreventionGenetics, part of Exact Sciences
Classification: Uncertain significance for IRAK1-related condition. Last evaluated: 2023-11-02. Review status: no assertion criteria provided. Collection method: clinical testing. Allele origin: germline.
Comment: The IRAK1 c.390G>C variant is predicted to result in the amino acid substitution p.Trp130Cys. To our knowledge, this variant has not been reported in the literature or in a large population database, indicating this variant is rare. At this time, the clinical significance of this variant is uncertain due to the absence of conclusive functional and genetic evidence.

NM_001569.4(IRAK1):c.390G>C (p.Trp130Cys)

Gene: IRAK1 (interleukin 1 receptor associated kinase 1; minus strand). Cytogenetic location: Xq28.
Variant type: single nucleotide variant.
Coding change: c.390G>C on transcript NM_001569.4 (MANE Select); coding-DNA position 390, G replaced by C.
Protein change: p.Trp130Cys; replaces tryptophan 130 with cysteine.
Molecular consequence: missense variant.
Genome position (GRCh38, 1-based): chrX:154,019,243, C>G on the plus strand (G>C on the coding strand, the complement: IRAK1 is on the minus strand). VCF-style: chrX-154019243-C-G. GRCh37 (hg19) VCF-style: chrX-153284694-C-G.
Other names: c.390G>C, p.Trp130Cys (NM_001025242.2, NM_001025243.2); c.468G>C, p.Trp156Cys (NM_001410701.1); short protein forms W130C, W156C.
Identifiers: ClinVar variation 3053955 (VCV003053955.2), dbSNP rs2521947003, ClinGen allele CA415153591.